The following is an entry in ClinVar:

ClinVar aggregate classification (germline): Uncertain significance (1 of 4 stars; one submission).

Conditions:
Inborn genetic diseases. Identifiers: MedGen C0950123, MeSH D030342.

Submission:

Ambry Genetics
Classification: Uncertain significance for Inborn genetic diseases. Last evaluated: 2025-06-13. Review status: criteria provided, single submitter. Criteria: Ambry Variant Classification Scheme 2023. Collection method: clinical testing. Allele origin: germline.
Comment: The p.D193E variant (also known as c.579C>G), located in coding exon 4 of the MECOM gene, results from a C to G substitution at nucleotide position 579. The aspartic acid at codon 193 is replaced by glutamic acid, an amino acid with highly similar properties. This amino acid position is conserved. In addition, this alteration is predicted to be tolerated by in silico analysis. Based on the available evidence, the clinical significance of this variant remains unclear.

NM_004991.4(MECOM):c.579C>G (p.Asp193Glu)

Gene: MECOM (MDS1 and EVI1 complex locus; minus strand). Cytogenetic location: 3q26.2.
Variant type: single nucleotide variant.
Coding change: c.579C>G on transcript NM_004991.4 (MANE Select); coding-DNA position 579, C replaced by G.
Protein change: p.Asp193Glu; replaces aspartic acid 193 with glutamic acid.
Molecular consequence: missense variant.
Genome position (GRCh38, 1-based): chr3:169,131,463, G>C on the plus strand (C>G on the coding strand, the complement: MECOM is on the minus strand). VCF-style: chr3-169131463-G-C. GRCh37 (hg19) VCF-style: chr3-168849251-G-C.
Other names: c.207C>G, p.Asp69Glu (NM_001105077.4); c.15C>G, p.Asp5Glu (NM_001105078.4, NM_001163999.2, NM_001164000.2 and 9 more transcripts); c.579C>G, p.Asp193Glu (NM_001366466.2, NM_001366473.2); short protein forms D5E, D69E, D193E.
Identifiers: ClinVar variation 4053346 (VCV004053346.1).